The following is an entry in ClinVar:

ClinVar aggregate classification (germline): Pathogenic/Likely pathogenic. Review status: criteria provided, multiple submitters, no conflicts (2 of 4 stars). 3 submissions from 3 submitters: Pathogenic (1); Likely pathogenic (2). Last evaluated 2025-10-02.

Conditions:
Familial adenomatous polyposis 1 (FAP1). Also called: FAMILIAL ADENOMATOUS POLYPOSIS 1, ATTENUATED; POLYPOSIS, ADENOMATOUS INTESTINAL. Identifiers: MedGen C2713442, MONDO:0021056, OMIM 175100. Disease mechanism: loss of function.
Hereditary cancer-predisposing syndrome. Also called: Hereditary Cancer Syndrome; Neoplastic Syndromes, Hereditary; Hereditary neoplastic syndrome; Tumor predisposition. Identifiers: Orphanet 140162, MedGen C0027672, MeSH D009386, MONDO:0015356.

Submissions (3):

Labcorp Genetics (formerly Invitae), Labcorp
Classification: Likely pathogenic for Familial adenomatous polyposis 1. Last evaluated: 2025-10-02. Review status: criteria provided, single submitter. Criteria: Invitae Variant Classification Sherloc (09022015). Collection method: clinical testing. Allele origin: germline.
Comment: This sequence change affects a donor splice site in intron 4 of the APC gene. It is expected to disrupt RNA splicing. Variants that disrupt the donor or acceptor splice site typically lead to a loss of protein function (PMID: 16199547), and loss-of-function variants in APC are known to be pathogenic (PMID: 17963004, 20685668). This variant is not present in population databases (gnomAD no frequency). Disruption of this splice site has been observed in individual(s) with familial adenomatous polyposis (PMID: 23159591). ClinVar contains an entry for this variant (Variation ID: 429052). Studies have shown that disruption of this splice site is associated with inconclusive levels of altered splicing (internal data). In summary, the currently available evidence indicates that the variant is pathogenic, but additional data are needed to prove that conclusively. Therefore, this variant has been classified as Likely Pathogenic.

Ambry Genetics
Classification: Pathogenic for Hereditary cancer-predisposing syndrome. Last evaluated: 2025-04-03. Review status: criteria provided, single submitter. Criteria: Ambry Variant Classification Scheme 2023. Collection method: clinical testing. Allele origin: germline.
Comment: The c.422+2T>G intronic pathogenic mutation results from a T to G substitution two nucleotides after coding exon 3 in the APC gene. One study reported this alteration in 1/1591 patients who underwent APC genetic testing; however, no clinical details were provided for this individual carrying this alteration (Kerr SE et al. J Mol Diagn, 2013 Jan;15:31-43). This alteration has been observed in multiple individuals with a personal and/or family history that is consistent with APC-related disease (Ambry internal data). This nucleotide position is highly conserved in available vertebrate species. In silico splice site analysis predicts that this alteration will weaken the native splice donor site. This variant is considered to be rare based on population cohorts in the Genome Aggregation Database (gnomAD). Alterations that disrupt the canonical splice site are expected to cause aberrant splicing, resulting in an abnormal protein or a transcript that is subject to nonsense-mediated mRNA decay. As such, this alteration is interpreted as a disease-causing mutation.

Myriad Genetics, Inc.
Classification: Likely pathogenic for Familial adenomatous polyposis 1. Last evaluated: 2023-04-25. Review status: criteria provided, single submitter. Criteria: Myriad Autosomal Dominant, Autosomal Recessive and X-Linked Classification Criteria (2023). Collection method: clinical testing. Allele origin: unknown.
Comment: This variant is considered likely pathogenic. This variant occurs within a consensus splice junction and is predicted to result in abnormal mRNA splicing of either an out-of-frame exon or an in-frame exon necessary for protein stability and/or normal function.

Literature cited by the submitters: PubMed 16199547 (cited by Labcorp Genetics (formerly Invitae), Labcorp); PubMed 17963004 (cited by Labcorp Genetics (formerly Invitae), Labcorp); PubMed 20685668 (cited by Labcorp Genetics (formerly Invitae), Labcorp); PubMed 23159591 (cited by Labcorp Genetics (formerly Invitae), Labcorp and Ambry Genetics).

NM_000038.6(APC):c.422+2T>G

Gene: APC (APC regulator of Wnt signaling pathway; plus strand). Cytogenetic location: 5q22.2.
Variant type: single nucleotide variant.
Coding change: c.422+2T>G on transcript NM_000038.6 (MANE Select); the canonical splice donor site of the intron after coding-DNA position 422, T replaced by G.
Molecular consequence: splice donor variant.
Genome position (GRCh38, 1-based): chr5:112,767,392, T>G. VCF-style: chr5-112767392-T-G. GRCh37 (hg19) VCF-style: chr5-112103089-T-G.
Other names: c.-614+2T>G (NM_001407470.1, NM_001407472.1, NM_001354906.2 and 1 more transcripts); c.422+2T>G (NM_001407447.1, NM_001354895.2, NM_001407456.1 and 16 more transcripts); c.452+2T>G (NM_001407446.1, NM_001354897.2, NM_001354902.2 and 1 more transcripts); c.245+2T>G (NM_001407453.1, NM_001354900.2, NM_001354901.2 and 1 more transcripts); c.347+2T>G (NM_001407451.1, NM_001354898.2, NM_001354904.2).
Identifiers: ClinVar variation 429052 (VCV000429052.17), dbSNP rs879254169, ClinGen allele CA360617477.